The following is an entry in ClinVar:

ClinVar aggregate classification (germline): Likely benign. Review status: reviewed by expert panel (3 of 4 stars). 3 submissions from 2 submitters: Likely benign (1). 2 of the submissions do not count toward it. Last evaluated 2025-10-08.

Conditions:
Open-angle glaucoma. Identifiers: MedGen C0017612, MONDO:0005338, HP:0012108.
Glaucoma 1, open angle, A (GLC1A). Also called: Glaucoma, Dominant (Juvenile Onset). Identifiers: Orphanet 98977, MedGen C1842028, MONDO:0007664, OMIM 137750.
Glaucoma. Identifiers: MedGen C0017601, MONDO:0005041, HP:0000501.

Allele frequency attached by ClinVar (database versions not stated): gnomAD 0.00001; ExAC 0.00002; TOPMed 0.00002; gnomAD exomes 0.00003 and 0.00004.
gnomAD v4.1: 55 of 1,614,100 alleles (0.0034%); highest among the groups gnomAD compares: Non-Finnish European, 0.00059%; no homozygotes.

Submissions (3):

ClinGen Glaucoma Variant Curation Expert Panel
Classification: Likely benign for Open-angle glaucoma. Last evaluated: 2025-10-08. Review status: reviewed by expert panel. Criteria: ClinGen Glaucoma ACMG Specifications V2.0.0 Approved. Collection method: curation. Allele origin: germline. Inheritance: Autosomal dominant inheritance.
Comment: The c.114G>A variant in MYOC is a synonymous variant (p.Arg38=). The highest minor allele frequency of this variant was in the Ashkenazi Jewish genetic ancestry group of gnomAD (v4.1.0) = 0.001148, which met the ≥ 0.001 threshold set for BS1 (34 alleles out of 29,608), meeting the threshold of ≥ 5 of at least 2,000 observed alleles). The SpliceAI score = 0, which met the ≤ 0.1 threshold for BP4, suggesting that the variant does not impact MYOC function. There was no functional evidence predicting a damaging or benign impact of this variant on MYOC function. This synonymous variant meets BP4, so BP7 is met. This variant was identified in laboratory based testing, but has not yet been found in a proband with juvenile or primary open angle glaucoma. Additionally, as PM2_Supporting was not met, PS4 did not apply. In summary, this variant met the criteria to receive a score of -6 and to be classified as likely benign (likely benign classification range -2 to -6, adapted from PMID: 32720330) for primary open angle glaucoma based on the ACMG/AMP criteria met, as specified by the ClinGen Glaucoma VCEP (v2.0.0, 5 Dec 2024): BS1, BP4, BP7

Illumina Laboratory Services, Illumina
Classification: Uncertain significance for Glaucoma. Last evaluated: 2018-01-13. Review status: criteria provided, single submitter. Criteria: ICSL Variant Classification Criteria 13 December 2019. Collection method: clinical testing. Allele origin: germline. Not counted in ClinVar's aggregate classification.

Illumina Laboratory Services, Illumina
Classification: Uncertain significance for Glaucoma 1, open angle, A. Last evaluated: 2018-01-13. Review status: criteria provided, single submitter. Criteria: ICSL Variant Classification Criteria 13 December 2019. Collection method: clinical testing. Allele origin: germline. Not counted in ClinVar's aggregate classification.

NM_000261.2(MYOC):c.114G>A (p.Arg38=)

Gene: MYOC (myocilin; minus strand). Cytogenetic location: 1q24.3.
Variant type: single nucleotide variant.
Coding change: c.114G>A on transcript NM_000261.2 (MANE Select); coding-DNA position 114, G replaced by A.
Protein change: p.Arg38=; no amino-acid change (arginine 38 retained).
Molecular consequence: synonymous variant.
Genome position (GRCh38, 1-based): chr1:171,652,498, C>T on the plus strand (G>A on the coding strand, the complement: MYOC is on the minus strand). VCF-style: chr1-171652498-C-T. GRCh37 (hg19) VCF-style: chr1-171621638-C-T.
Other names: NM_000261.2(MYOC):c.114G>A; p.Arg38=.
Identifiers: ClinVar variation 293723 (VCV000293723.7), dbSNP rs767644139, ClinGen allele CA1244327.